The following is an entry in ClinVar:

ClinVar aggregate classification (germline): Likely benign. Review status: criteria provided, single submitter (1 of 4 stars). 2 submissions from 2 submitters: Likely benign (1). 1 of the submissions does not count toward it. Last evaluated 2024-07-09.

Conditions:
PRG4-related disorder. Also called: PRG4-related condition.

Allele frequency attached by ClinVar (database versions not stated): gnomAD exomes 0.00027; ExAC 0.00099; ESP Exome Variant Server 0.00277; gnomAD 0.00310; TOPMed 0.00337; 1000 Genomes Project 30x 0.00515; 1000 Genomes Project 0.00559.
gnomAD v4.1: 873 of 1,613,726 alleles (0.054%); highest among the groups gnomAD compares: African/African-American, 1.1%; 5 homozygotes.

Submissions (2):

Blueprint Genetics
Classification: Likely benign. Last evaluated: 2024-07-09. Review status: criteria provided, single submitter. Criteria: ACMG Guidelines, 2015. Collection method: clinical testing. Allele origin: germline.

PreventionGenetics, part of Exact Sciences
Classification: Benign for PRG4-related condition. Last evaluated: 2019-11-13. Review status: no assertion criteria provided. Collection method: clinical testing. Allele origin: germline. Not counted in ClinVar's aggregate classification.
Comment: This variant is classified as benign based on ACMG/AMP sequence variant interpretation guidelines (Richards et al. 2015 PMID: 25741868, with internal and published modifications).

NM_005807.6(PRG4):c.756C>T (p.Ile252=)

Gene: PRG4 (proteoglycan 4; plus strand). Cytogenetic location: 1q31.1.
Variant type: single nucleotide variant.
Coding change: c.756C>T on transcript NM_005807.6 (MANE Select); coding-DNA position 756, C replaced by T.
Protein change: p.Ile252=; no amino-acid change (isoleucine 252 retained).
Molecular consequence: synonymous variant.
Genome position (GRCh38, 1-based): chr1:186,306,475, C>T. VCF-style: chr1-186306475-C-T. GRCh37 (hg19) VCF-style: chr1-186275607-C-T.
Other names: c.633C>T, p.Ile211= (NM_001127708.3); c.477C>T, p.Ile159= (NM_001127709.3); c.354C>T, p.Ile118= (NM_001127710.3); c.627C>T, p.Ile209= (NM_001303232.2).
Identifiers: ClinVar variation 3046155 (VCV003046155.3), dbSNP rs79706370, ClinGen allele CA1295943.